The following is an entry in ClinVar:

ClinVar aggregate classification (germline): Uncertain significance (1 of 4 stars; one submission).

gnomAD v4.1: 2 of 1,552,984 alleles (0.00013%); highest among the groups gnomAD compares: South Asian, 0.0012%; no homozygotes.

Submission:

Labcorp Genetics (formerly Invitae), Labcorp
Classification: Uncertain significance. Last evaluated: 2022-02-24. Review status: criteria provided, single submitter. Criteria: Invitae Variant Classification Sherloc (09022015). Collection method: clinical testing. Allele origin: germline.
Comment: This sequence change replaces arginine, which is basic and polar, with serine, which is neutral and polar, at codon 331 of the PEPD protein (p.Arg331Ser). This variant is not present in population databases (gnomAD no frequency). This variant has not been reported in the literature in individuals affected with PEPD-related conditions. Algorithms developed to predict the effect of missense changes on protein structure and function (SIFT, PolyPhen-2, Align-GVGD) all suggest that this variant is likely to be tolerated. In summary, the available evidence is currently insufficient to determine the role of this variant in disease. Therefore, it has been classified as a Variant of Uncertain Significance.

NM_000285.4(PEPD):c.991C>A (p.Arg331Ser)

Gene: PEPD (peptidase D; minus strand). Cytogenetic location: 19q13.11.
Variant type: single nucleotide variant.
Coding change: c.991C>A on transcript NM_000285.4 (MANE Select); coding-DNA position 991, C replaced by A.
Protein change: p.Arg331Ser; replaces arginine 331 with serine.
Molecular consequence: missense variant.
Genome position (GRCh38, 1-based): chr19:33,391,456, G>T on the plus strand (C>A on the coding strand, the complement: PEPD is on the minus strand). VCF-style: chr19-33391456-G-T. GRCh37 (hg19) VCF-style: chr19-33882362-G-T.
Other names: c.868C>A, p.Arg290Ser (NM_001166056.2); c.799C>A, p.Arg267Ser (NM_001166057.2); short protein forms R267S, R290S, R331S.
Identifiers: ClinVar variation 2096217 (VCV002096217.4), dbSNP rs376817734, ClinGen allele CA405222021.
Genomic context (GRCh38, chr19:33,391,456, plus strand): 5'-CGCTGCCGCTCAGGATGCCCATGTGGGCCAGCTCCTCCAGGTGGATGCGGTCAGCCAGGC[G>T]GTGCATGTCAGGCCACCAGACACCTGTGGGCCAGAGGGAGCTGCCGTGAGCCACAGAGCC-3'
Protein context (NP_000276.2, residues 321-341): KPGVWWPDMH[Arg331Ser]LADRIHLEEL